The following is an entry in ClinVar:

ClinVar aggregate classification (germline): Benign/Likely benign. Review status: criteria provided, multiple submitters, no conflicts (2 of 4 stars). 3 submissions from 3 submitters: Benign (1); Likely benign (1). 1 of the submissions does not count toward it. Last evaluated 2025-09-06.

Conditions:
MHC class I deficiency. Identifiers: Orphanet 34592, MedGen C6024714, MONDO:0011476.
TAP2-related disorder. Also called: TAP2-related condition.

Allele frequency attached by ClinVar (database versions not stated): gnomAD exomes 0.00254 and 0.00465; ExAC 0.00479; gnomAD 0.01068 and 0.01133; 1000 Genomes Project 0.01258; TOPMed 0.01300; 1000 Genomes Project 30x 0.01343.
gnomAD v4.1: 5,545 of 1,612,288 alleles (0.34%); highest among the groups gnomAD compares: African/African-American, 2.9%; 63 homozygotes.

Submissions (3):

Labcorp Genetics (formerly Invitae), Labcorp
Classification: Benign for MHC class I deficiency 1. Last evaluated: 2025-09-06. Review status: criteria provided, single submitter. Criteria: Invitae Variant Classification Sherloc (09022015). Collection method: clinical testing. Allele origin: germline.

Blueprint Genetics
Classification: Likely benign. Last evaluated: 2024-11-26. Review status: criteria provided, single submitter. Criteria: ACMG Guidelines, 2015. Collection method: clinical testing. Allele origin: germline.

PreventionGenetics, part of Exact Sciences
Classification: Benign for TAP2-related condition. Last evaluated: 2019-04-01. Review status: no assertion criteria provided. Collection method: clinical testing. Allele origin: germline. Not counted in ClinVar's aggregate classification.
Comment: This variant is classified as benign based on ACMG/AMP sequence variant interpretation guidelines (Richards et al. 2015 PMID: 25741868, with internal and published modifications).

NM_001290043.2(TAP2):c.1144-5T>C

Gene: TAP2 (transporter 2, ATP binding cassette subfamily B member; minus strand). Cytogenetic location: 6p21.32.
Variant type: single nucleotide variant.
Coding change: c.1144-5T>C on transcript NM_001290043.2 (MANE Select); 5 bases into the intron before coding-DNA position 1144, T replaced by C.
Molecular consequence: intron variant.
Genome position (GRCh38, 1-based): chr6:32,832,466, A>G on the plus strand (T>C on the coding strand, the complement: TAP2 is on the minus strand). VCF-style: chr6-32832466-A-G. GRCh37 (hg19) VCF-style: chr6-32800243-A-G.
Other names: c.1144-5T>C (NM_000544.3, NM_018833.3).
Identifiers: ClinVar variation 768078 (VCV000768078.12), dbSNP rs148353836, ClinGen allele CA3745975.